The following is an entry in ClinVar:

NM_014264.5(PLK4):c.1710G>T (p.Gln570His)

Gene: PLK4 (polo like kinase 4; plus strand). Cytogenetic location: 4q28.1.
Variant type: single nucleotide variant.
Coding change: c.1710G>T on transcript NM_014264.5 (MANE Select); coding-DNA position 1710, G replaced by T.
Protein change: p.Gln570His; replaces glutamine 570 with histidine.
Molecular consequence: missense variant.
Genome position (GRCh38, 1-based): chr4:127,890,116, G>T. VCF-style: chr4-127890116-G-T. GRCh37 (hg19) VCF-style: chr4-128811271-G-T.
Other names: c.1614G>T, p.Gln538His (NM_001190799.2); c.1587G>T, p.Gln529His (NM_001190801.2); short protein forms Q529H, Q538H, Q570H.
Identifiers: ClinVar variation 1308384 (VCV001308384.2), dbSNP rs530875935, ClinGen allele CA3076826.
Genomic context (GRCh38, chr4:127,890,116, plus strand): 5'-CAGTAAACCTGAGATAATCCAACAAGAATGTGTTTTTGGCTCAGATCCTCTTTCTGAACA[G>T]AGCAAGACTAGGGGTATGGAGCCACCATGGGGTTATCAGAATCGTACATTAAGAAGCATT-3'
Protein context (NP_055079.3, residues 560-580): CVFGSDPLSE[Gln570His]SKTRGMEPPW

ClinVar aggregate classification (germline): Uncertain significance (1 of 4 stars; one submission).

Allele frequency attached by ClinVar (database versions not stated): ExAC 0.00001; gnomAD exomes 0.00001.
gnomAD v4.1: 3 of 1,613,970 alleles (0.00019%); highest among the groups gnomAD compares: South Asian, 0.0033%; no homozygotes.

Submission:

GeneDx
Classification: Uncertain significance. Last evaluated: 2019-04-04. Review status: criteria provided, single submitter. Criteria: GeneDx Variant Classification Process June 2021. Collection method: clinical testing. Allele origin: germline. Affected: yes.
Comment: In silico analysis, which includes protein predictors and evolutionary conservation, supports that this variant does not alter protein structure/function; Has not been previously published as pathogenic or benign to our knowledge